The following is an entry in ClinVar:

NM_022124.6(CDH23):c.2801C>G (p.Pro934Arg)

Gene: CDH23 (cadherin related 23; plus strand). Cytogenetic location: 10q22.1.
Variant type: single nucleotide variant.
Coding change: c.2801C>G on transcript NM_022124.6 (MANE Select); coding-DNA position 2801, C replaced by G.
Protein change: p.Pro934Arg; replaces proline 934 with arginine.
Molecular consequence: missense variant.
Genome position (GRCh38, 1-based): chr10:71,704,978, C>G. VCF-style: chr10-71704978-C-G. GRCh37 (hg19) VCF-style: chr10-73464735-C-G.
Other names: c.2801C>G, p.Pro934Arg (NM_001171930.2, NM_001171931.2); short protein forms P934R.
Identifiers: ClinVar variation 1021197 (VCV001021197.8), dbSNP rs1251075845, ClinGen allele CA377139580.
Genomic context (GRCh38, chr10:71,704,978, plus strand): 5'-CCATCGACCTCGATGAGGGCCTGAACGGCCTGGTGTCCTACCGCATGCCGGTGGGCATGC[C>G]CCGCATGGACTTCCTCATCAACAGCAGCAGCGGCGTGGTGGTCACCACCACCGAGCTGGA-3'
Protein context (NP_071407.4, residues 924-944): LVSYRMPVGM[Pro934Arg]RMDFLINSSS

ClinVar aggregate classification (germline): Uncertain significance (1 of 4 stars; one submission).

Submission:

Labcorp Genetics (formerly Invitae), Labcorp
Classification: Uncertain significance. Last evaluated: 2024-01-08. Review status: criteria provided, single submitter. Criteria: Invitae Variant Classification Sherloc (09022015). Collection method: clinical testing. Allele origin: germline.
Comment: This sequence change replaces proline, which is neutral and non-polar, with arginine, which is basic and polar, at codon 934 of the CDH23 protein (p.Pro934Arg). This variant is not present in population databases (gnomAD no frequency). This variant has not been reported in the literature in individuals affected with CDH23-related conditions. ClinVar contains an entry for this variant (Variation ID: 1021197). Advanced modeling of protein sequence and biophysical properties (such as structural, functional, and spatial information, amino acid conservation, physicochemical variation, residue mobility, and thermodynamic stability) performed at Invitae indicates that this missense variant is not expected to disrupt CDH23 protein function with a negative predictive value of 95%. In summary, the available evidence is currently insufficient to determine the role of this variant in disease. Therefore, it has been classified as a Variant of Uncertain Significance.